The following is an entry in ClinVar:

NM_004482.4(GALNT3):c.1626+2T>A

Gene: GALNT3 (polypeptide N-acetylgalactosaminyltransferase 3; minus strand). Cytogenetic location: 2q24.3.
Variant type: single nucleotide variant.
Coding change: c.1626+2T>A on transcript NM_004482.4 (MANE Select); the canonical splice donor site of the intron after coding-DNA position 1626, T replaced by A.
Molecular consequence: splice donor variant.
Genome position (GRCh38, 1-based): chr2:165,754,625, A>T on the plus strand (T>A on the coding strand, the complement: GALNT3 is on the minus strand). VCF-style: chr2-165754625-A-T. GRCh37 (hg19) VCF-style: chr2-166611135-A-T.
Identifiers: ClinVar variation 2710846 (VCV002710846.3), dbSNP rs2467861939, ClinGen allele CA349031820.

ClinVar aggregate classification (germline): Pathogenic (1 of 4 stars; one submission).

Submission:

Labcorp Genetics (formerly Invitae), Labcorp
Classification: Pathogenic. Last evaluated: 2024-01-22. Review status: criteria provided, single submitter. Criteria: Invitae Variant Classification Sherloc (09022015). Collection method: clinical testing. Allele origin: germline.
Comment: This sequence change affects a donor splice site in intron 9 of the GALNT3 gene. RNA analysis indicates that disruption of this splice site induces altered splicing and may result in an absent or disrupted protein product. This variant is not present in population databases (gnomAD no frequency). Disruption of this splice site has been observed in individual(s) with hyperostosis-hyperphosphatemia syndrome (PMID: 17311862). In at least one individual the data is consistent with being in trans (on the opposite chromosome) from a pathogenic variant. Studies have shown that disruption of this splice site results in activation of a cryptic splice site and introduces a premature termination codon (PMID: 17311862). The resulting mRNA is expected to undergo nonsense-mediated decay. For these reasons, this variant has been classified as Pathogenic.

Literature cited by the submitters: PubMed 17311862.